The following is an entry in ClinVar:

NM_000081.4(LYST):c.10083del (p.Phe3362fs)

Genes: LYST (lysosomal trafficking regulator; minus strand), LOC126806063 (MED14-independent group 3 enhancer GRCh37_chr1:235871544-235872743; plus strand). Cytogenetic location: 1q42.3.
Variant type: Deletion.
Coding change: c.10083del on transcript NM_000081.4 (MANE Select); coding-DNA position 10083, one base deleted (G; older notation c.10083delG).
Protein change: p.Phe3362fs; shifts the reading frame from phenylalanine 3362.
Molecular consequence: frameshift variant.
Genome position (GRCh38, 1-based): chr1:235,709,151, C deleted on the plus strand (G on the coding strand, the reverse complement: LYST is on the minus strand). VCF-style (leftmost placement, unchanged base first): chr1-235709150-AC-A. GRCh37 (hg19) VCF-style: chr1-235872450-AC-A.
Other names: c.10083del, p.Phe3362fs (NM_001301365.1); short protein forms F3362fs.
Identifiers: ClinVar variation 2769287 (VCV002769287.3), dbSNP rs2527363448, ClinGen allele CA2697555012.

ClinVar aggregate classification (germline): Pathogenic (1 of 4 stars; one submission).

Conditions:
Chédiak-Higashi syndrome (CHS). Also called: Chediak-Higashi Syndrome. Identifiers: Orphanet 167, MedGen C0007965, MONDO:0008963, OMIM 214500.

Submission:

Labcorp Genetics (formerly Invitae), Labcorp
Classification: Pathogenic for Chédiak-Higashi syndrome. Last evaluated: 2023-10-27. Review status: criteria provided, single submitter. Criteria: Invitae Variant Classification Sherloc (09022015). Collection method: clinical testing. Allele origin: germline.
Comment: This sequence change creates a premature translational stop signal (p.Phe3362Leufs*39) in the LYST gene. It is expected to result in an absent or disrupted protein product. Loss-of-function variants in LYST are known to be pathogenic (PMID: 9215679, 11857544). This variant is not present in population databases (gnomAD no frequency). This variant has not been reported in the literature in individuals affected with LYST-related conditions. For these reasons, this variant has been classified as Pathogenic.

Literature cited by the submitters: PubMed 9215679; PubMed 11857544.